The following is an entry in ClinVar:

NM_030782.5(CLPTM1L):c.792G>A (p.Gln264=)

Gene: CLPTM1L (CLPTM1 like). Cytogenetic location: 5p15.33.
Variant type: single nucleotide variant.
Coding change: c.792G>A on transcript NM_030782.5 (MANE Select); coding-DNA position 792, G replaced by A.
Protein change: p.Gln264=; no amino-acid change (glutamine 264 retained).
Molecular consequence: synonymous variant.
Genome position (GRCh38, 1-based): chr5:1,335,061, C>T on the plus strand (G>A on the coding strand, the complement: CLPTM1L is on the minus strand). VCF-style: chr5-1335061-C-T. GRCh37 (hg19) VCF-style: chr5-1335176-C-T.
Identifiers: ClinVar variation 3049159 (VCV003049159.2), dbSNP rs34536907, ClinGen allele CA3185498.

ClinVar aggregate classification (germline): Benign (0 of 4 stars; one submission).

Conditions:
CLPTM1L-related disorder. Also called: CLPTM1L-related condition.

Allele frequency attached by ClinVar (database versions not stated): gnomAD exomes 0.00048; ExAC 0.00172; gnomAD 0.00529; TOPMed 0.00573; 1000 Genomes Project 0.00619; 1000 Genomes Project 30x 0.00625; ESP Exome Variant Server 0.00677.
gnomAD v4.1: 1,540 of 1,612,812 alleles (0.095%); highest among the groups gnomAD compares: African/African-American, 1.9%; 14 homozygotes.

Submission:

PreventionGenetics, part of Exact Sciences
Classification: Benign for CLPTM1L-related condition. Last evaluated: 2019-03-25. Review status: no assertion criteria provided. Collection method: clinical testing. Allele origin: germline.
Comment: This variant is classified as benign based on ACMG/AMP sequence variant interpretation guidelines (Richards et al. 2015 PMID: 25741868, with internal and published modifications).